The following is an entry in ClinVar:

ClinVar aggregate classification (germline): Conflicting classifications of pathogenicity. Review status: criteria provided, conflicting classifications (1 of 4 stars). 2 submissions from 2 submitters: Pathogenic (1); Uncertain significance (1). Last evaluated 2024-06-01.

Conditions:
RHO-related disorder. Also called: RHO-related condition.

Submissions (2):

Labcorp Genetics (formerly Invitae), Labcorp
Classification: Uncertain significance. Last evaluated: 2024-06-01. Review status: criteria provided, single submitter. Criteria: Invitae Variant Classification Sherloc (09022015). Collection method: clinical testing. Allele origin: germline.
Comment: This variant, c.242_244del, results in the deletion of 1 amino acid(s) of the RHO protein (p.Val81del), but otherwise preserves the integrity of the reading frame. This variant is not present in population databases (gnomAD no frequency). This variant has been observed in individual(s) with retinitis pigmentosa (Invitae). ClinVar contains an entry for this variant (Variation ID: 1009433). Experimental studies and prediction algorithms are not available or were not evaluated, and the functional significance of this variant is currently unknown. In summary, the available evidence is currently insufficient to determine the role of this variant in disease. Therefore, it has been classified as a Variant of Uncertain Significance.

Blueprint Genetics
Classification: Pathogenic for RHO-related disorders. Last evaluated: 2022-08-17. Review status: criteria provided, single submitter. Criteria: ACMG Guidelines, 2015. Collection method: clinical testing. Allele origin: germline. Affected: yes. Observed: 4 variant alleles.

NM_000539.3(RHO):c.242_244del (p.Val81del)

Gene: RHO (rhodopsin; plus strand). Cytogenetic location: 3q22.1.
Variant type: Deletion.
Coding change: c.242_244del on transcript NM_000539.3 (MANE Select); coding-DNA positions 242 to 244, 3 bases deleted (TGG; older notation c.242_244delTGG).
Protein change: p.Val81del; deletes valine 81.
Molecular consequence: inframe deletion.
Genome position (GRCh38, 1-based): chr3:129,528,975-129,528,977, TGG deleted; deleting any 3 consecutive bases within chr3:129,528,974-129,528,977 gives the same sequence; the c. name uses the placement nearest the transcript's 3' end. VCF-style (leftmost placement, unchanged base first): chr3-129528973-CGTG-C. GRCh37 (hg19) VCF-style: chr3-129247816-CGTG-C.
Other names: short protein forms V81del.
Identifiers: ClinVar variation 1009433 (VCV001009433.9), dbSNP rs2084758319, ClinGen allele CA1401205766.